The following is an entry in ClinVar:

NM_002691.4(POLD1):c.376C>T (p.Arg126Cys)

Gene: POLD1 (DNA polymerase delta 1, catalytic subunit; plus strand). Cytogenetic location: 19q13.33.
Variant type: single nucleotide variant.
Coding change: c.376C>T on transcript NM_002691.4 (MANE Select); coding-DNA position 376, C replaced by T.
Protein change: p.Arg126Cys; replaces arginine 126 with cysteine.
Molecular consequence: missense variant. On other transcripts: non-coding transcript variant (1).
Genome position (GRCh38, 1-based): chr19:50,401,837, C>T. VCF-style: chr19-50401837-C-T. GRCh37 (hg19) VCF-style: chr19-50905094-C-T.
Other names: c.376C>T, p.Arg126Cys (NM_001256849.1, NM_001308632.1); short protein forms R126C.
Identifiers: ClinVar variation 221116 (VCV000221116.18), dbSNP rs864622753, ClinGen allele CA349923.
Genomic context (GRCh38, chr19:50,401,837, plus strand): 5'-GGCCCAGCGCAGCCTGTGCCTGGGGGGCCCCCACCATCCCGCGGCTCCGTGCCTGTGCTC[C>T]GCGCCTTCGGGGTCACCGATGAGGGGTTCTCTGTCTGCTGCCACATCCACGGCTTCGCTC-3'
Protein context (NP_002682.2, residues 116-136): PPSRGSVPVL[Arg126Cys]AFGVTDEGFS

ClinVar aggregate classification (germline): Uncertain significance. Review status: criteria provided, multiple submitters, no conflicts (2 of 4 stars). 5 submissions from 5 submitters: Uncertain significance (5). Last evaluated 2026-01-18.

Conditions:
Mandibular hypoplasia-deafness-progeroid syndrome. Also called: Mandibular hypoplasia, deafness, progeroid features, and lipodystrophy syndrome. Identifiers: Orphanet 363649, MedGen C3715192, MONDO:0014157, OMIM 615381.
POLD1-related polyposis and colorectal cancer syndrome (CRCS10). Also called: Colorectal cancer 10; COLORECTAL CANCER, SUSCEPTIBILITY TO, ON CHROMOSOME 19q; Colorectal cancer, susceptibility to, 10. Identifiers: Orphanet 220460, MedGen C2675481, MONDO:0012953, OMIM 612591.
Hereditary cancer-predisposing syndrome. Also called: Tumor predisposition; Hereditary Cancer Syndrome; Neoplastic Syndromes, Hereditary; Hereditary neoplastic syndrome. Identifiers: Orphanet 140162, MedGen C0027672, MeSH D009386, MONDO:0015356.

Allele frequency attached by ClinVar (database versions not stated): gnomAD exomes 0.00001; TOPMed 0.00001; gnomAD 0.00002 and 0.00003.
gnomAD v4.1: 13 of 1,613,760 alleles (0.00081%); highest among the groups gnomAD compares: Admixed American, 0.005%; no homozygotes.

Submissions (5):

Labcorp Genetics (formerly Invitae), Labcorp
Classification: Uncertain significance for POLD1-related polyposis and colorectal cancer syndrome. Last evaluated: 2026-01-18. Review status: criteria provided, single submitter. Criteria: Invitae Variant Classification Sherloc (09022015). Collection method: clinical testing. Allele origin: germline.
Comment: This sequence change replaces arginine, which is basic and polar, with cysteine, which is neutral and slightly polar, at codon 126 of the POLD1 protein (p.Arg126Cys). This variant is present in population databases (no rsID available, gnomAD 0.01%). This variant has not been reported in the literature in individuals affected with POLD1-related conditions. ClinVar contains an entry for this variant (Variation ID: 221116). Invitae Evidence Modeling of protein sequence and biophysical properties (such as structural, functional, and spatial information, amino acid conservation, physicochemical variation, residue mobility, and thermodynamic stability) indicates that this missense variant is expected to disrupt POLD1 protein function with a positive predictive value of 80%. In summary, the available evidence is currently insufficient to determine the role of this variant in disease. Therefore, it has been classified as a Variant of Uncertain Significance.

Center for Genomic Medicine, Rigshospitalet, Copenhagen University Hospital
Classification: Uncertain significance. Last evaluated: 2025-03-04. Review status: criteria provided, single submitter. Criteria: ACMG Guidelines, 2015. Collection method: clinical testing. Allele origin: germline.

Ambry Genetics
Classification: Uncertain significance for Hereditary cancer-predisposing syndrome. Last evaluated: 2024-05-01. Review status: criteria provided, single submitter. Criteria: Ambry Variant Classification Scheme 2023. Collection method: clinical testing. Allele origin: germline.

GeneDx
Classification: Uncertain significance. Last evaluated: 2023-02-07. Review status: criteria provided, single submitter. Criteria: GeneDx Variant Classification Process June 2021. Collection method: clinical testing. Allele origin: germline. Affected: yes.
Comment: Not observed at significant frequency in large population cohorts (gnomAD); In silico analysis supports that this missense variant has a deleterious effect on protein structure/function; Has not been previously published as pathogenic or benign to our knowledge

Fulgent Genetics
Classification: Uncertain significance for POLD1-related polyposis and colorectal cancer syndrome; Mandibular hypoplasia-deafness-progeroid syndrome. Last evaluated: 2022-01-11. Review status: criteria provided, single submitter. Criteria: ACMG Guidelines, 2015. Collection method: clinical testing. Allele origin: unknown.